The following is an entry in ClinVar:

NM_014495.4(ANGPTL3):c.336G>A (p.Glu112=)

Genes: ANGPTL3 (angiopoietin like 3; plus strand), DOCK7 (dedicator of cytokinesis 7; minus strand). Cytogenetic location: 1p31.3.
Variant type: single nucleotide variant.
Coding change: c.336G>A on transcript NM_014495.4 (MANE Select); coding-DNA position 336, G replaced by A.
Protein change: p.Glu112=; no amino-acid change (glutamic acid 112 retained).
Molecular consequence: synonymous variant. On other transcripts: intron variant (7).
Genome position (GRCh38, 1-based): chr1:62,597,902, G>A. VCF-style: chr1-62597902-G-A. GRCh37 (hg19) VCF-style: chr1-63063573-G-A.
Other names: c.1683-11278C>T (NM_001272001.2, NM_001272000.2, NM_033407.4 and 4 more transcripts).
Identifiers: ClinVar variation 4873704 (VCV004873704.2).

ClinVar aggregate classification (germline): Likely benign (1 of 4 stars; one submission).

gnomAD v4.1: 15 of 1,566,292 alleles (0.00096%); highest among the groups gnomAD compares: East Asian, 0.0045%; no homozygotes.

Submission:

CeGaT Center for Human Genetics Tuebingen
Classification: Likely benign. Last evaluated: 2026-06-01. Review status: criteria provided, single submitter. Criteria: CeGaT Center For Human Genetics Tuebingen Variant Classification Criteria Version 2. Collection method: clinical testing. Allele origin: germline. Affected: yes. Observed: 1 variant allele.
Comment: ANGPTL3: BP4, BP7